The following is an entry in ClinVar:

NM_004260.4(RECQL4):c.2059-8_2059-6del

Gene: RECQL4 (RecQ like helicase 4; minus strand). Cytogenetic location: 8q24.3.
Variant type: Microsatellite.
Coding change: c.2059-8_2059-6del on transcript NM_004260.4 (MANE Select); 8 bases into the intron before coding-DNA position 2059 through 6 bases into the intron before coding-DNA position 2059, 3 bases deleted (CTC; older notation c.2059-8_2059-6delCTC).
Molecular consequence: intron variant.
Genome position (GRCh38, 1-based): chr8:144,513,718-144,513,720, GAG deleted on the plus strand (CTC on the coding strand, the reverse complement: RECQL4 is on the minus strand); deleting any 3 consecutive bases within chr8:144,513,718-144,513,723 gives the same sequence; the c. name uses the placement nearest the transcript's 3' end. VCF-style (leftmost placement, unchanged base first): chr8-144513717-TGAG-T. GRCh37 (hg19) VCF-style: chr8-145739101-TGAG-T.
Other names: NC_000008.10:g.145739105_145739107del; c.2059-11_2059-9del (NM_004260.4); c.2059-8_2059-6delCTC (NM_004260.3).
Identifiers: ClinVar variation 414231 (VCV000414231.17), dbSNP rs558061753, ClinGen allele CA4948481.

ClinVar aggregate classification (germline): Benign/Likely benign. Review status: criteria provided, multiple submitters, no conflicts (2 of 4 stars). 4 submissions from 4 submitters: Benign (2); Likely benign (2). Last evaluated 2026-09-01.

Conditions:
Baller-Gerold syndrome (BGS). Also called: CRANIOSYNOSTOSIS WITH RADIAL DEFECTS. Identifiers: Orphanet 1225, MedGen C0265308, MONDO:0009039, OMIM 218600.
Hereditary cancer-predisposing syndrome. Also called: Hereditary neoplastic syndrome; Neoplastic Syndromes, Hereditary; Hereditary Cancer Syndrome; Tumor predisposition. Identifiers: Orphanet 140162, MedGen C0027672, MeSH D009386, MONDO:0015356.

Submissions (5):

CeGaT Center for Human Genetics Tuebingen
Classification: Likely benign. Last evaluated: 2026-09-01. Review status: criteria provided, single submitter. Criteria: CeGaT Center For Human Genetics Tuebingen Variant Classification Criteria Version 2. Collection method: clinical testing. Allele origin: germline. Affected: yes. Observed: 1 variant allele.
Comment: RECQL4: BP4, BS2

Labcorp Genetics (formerly Invitae), Labcorp
Classification: Benign for Baller-Gerold syndrome. Last evaluated: 2026-02-03. Review status: criteria provided, single submitter. Criteria: Invitae Variant Classification Sherloc (09022015). Collection method: clinical testing. Allele origin: germline.

Sema4
Classification: Benign for Hereditary cancer-predisposing syndrome. Last evaluated: 2020-09-10. Review status: criteria provided, single submitter. Criteria: Sema4 Curation Guidelines. Collection method: curation. Allele origin: germline.

GeneDx
Classification: Likely benign. Last evaluated: 2020-05-18. Review status: criteria provided, single submitter. Criteria: GeneDx Variant Classification Process June 2021. Collection method: clinical testing. Allele origin: germline. Affected: yes.

Dr. Peter K. Rogan Lab, Western University
No classification provided (evidence only). Condition: Chronic lymphocytic leukemia/small lymphocytic lymphoma. Review status: no classification provided. Collection method: in vitro. Allele origin: not applicable. Functional consequence: retained intron. Not counted in ClinVar's aggregate classification.